The following is an entry in ClinVar:

NM_003200.5(TCF3):c.1526C>T (p.Ser509Leu)

Gene: TCF3 (transcription factor 3; minus strand). Cytogenetic location: 19p13.3.
Variant type: single nucleotide variant.
Coding change: c.1526C>T on transcript NM_003200.5 (MANE Select); coding-DNA position 1526, C replaced by T.
Protein change: p.Ser509Leu; replaces serine 509 with leucine.
Molecular consequence: missense variant.
Genome position (GRCh38, 1-based): chr19:1,615,746, G>A on the plus strand (C>T on the coding strand, the complement: TCF3 is on the minus strand). VCF-style: chr19-1615746-G-A. GRCh37 (hg19) VCF-style: chr19-1615745-G-A.
Other names: c.1526C>T (NM_003200.3); c.1526C>T, p.Ser509Leu (NM_001136139.4, NM_001351779.2); c.1523C>T, p.Ser508Leu (NM_001351778.2); short protein forms S508L, S509L.
Identifiers: ClinVar variation 1991416 (VCV001991416.6), dbSNP rs375239736, ClinGen allele CA9049783.
Genomic context (GRCh38, chr19:1,615,746, plus strand): 5'-CTGGTCCGGGCCCGGGGGGCCTTCAGCTCCTTCTTCTCCTCCTCCGAGTGGTCAGCCGCT[G>A]ACGTGTTCTCCTCGTCCTCCTTCTCCTCCCGCTTGATCTCGCTGGCGGCCGCCGTGGCAC-3'
Protein context (NP_003191.1, residues 499-519): REEKEDEENT[Ser509Leu]AADHSEEEKK

ClinVar aggregate classification (germline): Uncertain significance. Review status: criteria provided, multiple submitters, no conflicts (2 of 4 stars). 2 submissions from 2 submitters: Uncertain significance (2). Last evaluated 2025-12-28.

Conditions:
Inborn genetic diseases. Identifiers: MedGen C0950123, MeSH D030342.

Allele frequency attached by ClinVar (database versions not stated): gnomAD 0.00001; TOPMed 0.00001; ExAC 0.00002; ESP Exome Variant Server 0.00008.
gnomAD v4.1: 6 of 1,610,500 alleles (0.00037%); highest among the groups gnomAD compares: African/African-American, 0.0027%; no homozygotes.

Submissions (2):

Labcorp Genetics (formerly Invitae), Labcorp
Classification: Uncertain significance. Last evaluated: 2025-12-28. Review status: criteria provided, single submitter. Criteria: Invitae Variant Classification Sherloc (09022015). Collection method: clinical testing. Allele origin: germline.
Comment: This sequence change replaces serine, which is neutral and polar, with leucine, which is neutral and non-polar, at codon 509 of the TCF3 protein (p.Ser509Leu). This variant is present in population databases (rs375239736, gnomAD 0.007%). This variant has not been reported in the literature in individuals affected with TCF3-related conditions. ClinVar contains an entry for this variant (Variation ID: 1991416). Invitae Evidence Modeling of protein sequence and biophysical properties (such as structural, functional, and spatial information, amino acid conservation, physicochemical variation, residue mobility, and thermodynamic stability) indicates that this missense variant is not expected to disrupt TCF3 protein function with a negative predictive value of 80%. In summary, the available evidence is currently insufficient to determine the role of this variant in disease. Therefore, it has been classified as a Variant of Uncertain Significance.

Ambry Genetics
Classification: Uncertain significance for Inborn genetic diseases. Last evaluated: 2023-08-08. Review status: criteria provided, single submitter. Criteria: Ambry Variant Classification Scheme 2023. Collection method: clinical testing. Allele origin: germline.